The following is an entry in ClinVar:

NM_000536.4(RAG2):c.1486C>T (p.Pro496Ser)

Gene: RAG2 (recombination activating 2; minus strand). Cytogenetic location: 11p12.
Variant type: single nucleotide variant.
Coding change: c.1486C>T on transcript NM_000536.4 (MANE Select); coding-DNA position 1486, C replaced by T.
Protein change: p.Pro496Ser; replaces proline 496 with serine.
Molecular consequence: missense variant.
Genome position (GRCh38, 1-based): chr11:36,592,683, G>A on the plus strand (C>T on the coding strand, the complement: RAG2 is on the minus strand). VCF-style: chr11-36592683-G-A. GRCh37 (hg19) VCF-style: chr11-36614233-G-A.
Other names: c.1486C>T, p.Pro496Ser (NM_001243785.2, NM_001243786.2); short protein forms P496S.
Identifiers: ClinVar variation 1351921 (VCV001351921.5), dbSNP rs2133310879, ClinGen allele CA380140258.

ClinVar aggregate classification (germline): Uncertain significance (1 of 4 stars; one submission).

Conditions:
Severe combined immunodeficiency, autosomal recessive, T cell-negative, B cell-negative, NK cell-positive. Also called: SCID, AR, T-cell negative, B-cell negative, NK cell-positive; SCID, T CELL-NEGATIVE, B CELL-NEGATIVE, NK CELL-POSITIVE; Severe combined immunodeficiency due to complete RAG1/2 deficiency. Identifiers: Orphanet 331206, MedGen C1832322, MONDO:0011086, OMIM 601457.
Combined immunodeficiency with skin granulomas. Identifiers: Orphanet 157949, MedGen C2673536, MONDO:0009306, OMIM 233650.

Submission:

Labcorp Genetics (formerly Invitae), Labcorp
Classification: Uncertain significance for Combined immunodeficiency with skin granulomas; Severe combined immunodeficiency, autosomal recessive, T cell-negative, B cell-negative, NK cell-positive. Last evaluated: 2021-09-01. Review status: criteria provided, single submitter. Criteria: Invitae Variant Classification Sherloc (09022015). Collection method: clinical testing. Allele origin: germline.
Comment: This sequence change replaces proline with serine at codon 496 of the RAG2 protein (p.Pro496Ser). The proline residue is highly conserved and there is a moderate physicochemical difference between proline and serine. This variant is not present in population databases (ExAC no frequency). This variant has not been reported in the literature in individuals affected with RAG2-related conditions. Advanced modeling of protein sequence and biophysical properties (such as structural, functional, and spatial information, amino acid conservation, physicochemical variation, residue mobility, and thermodynamic stability) performed at Invitae indicates that this missense variant is not expected to disrupt RAG2 protein function. In summary, the available evidence is currently insufficient to determine the role of this variant in disease. Therefore, it has been classified as a Variant of Uncertain Significance.